The following is an entry in ClinVar:

NM_006514.4(SCN10A):c.5675A>G (p.Glu1892Gly)

Gene: SCN10A (sodium voltage-gated channel alpha subunit 10; minus strand). Cytogenetic location: 3p22.2.
Variant type: single nucleotide variant.
Coding change: c.5675A>G on transcript NM_006514.4 (MANE Select); coding-DNA position 5675, A replaced by G.
Protein change: p.Glu1892Gly; replaces glutamic acid 1892 with glycine.
Molecular consequence: missense variant.
Genome position (GRCh38, 1-based): chr3:38,697,545, T>C on the plus strand (A>G on the coding strand, the complement: SCN10A is on the minus strand). VCF-style: chr3-38697545-T-C. GRCh37 (hg19) VCF-style: chr3-38739036-T-C.
Other names: c.5672A>G, p.Glu1891Gly (NM_001293306.2); c.5381A>G, p.Glu1794Gly (NM_001293307.2); short protein forms E1794G, E1891G, E1892G.
Identifiers: ClinVar variation 3438095 (VCV003438095.1).

ClinVar aggregate classification (germline): Uncertain significance (1 of 4 stars; one submission).

Conditions:
Cardiovascular phenotype. Identifiers: MedGen CN230736.

Submission:

Ambry Genetics
Classification: Uncertain significance for Cardiovascular phenotype. Last evaluated: 2024-07-07. Review status: criteria provided, single submitter. Criteria: Ambry Variant Classification Scheme 2023. Collection method: clinical testing. Allele origin: germline.
Comment: The p.E1892G variant (also known as c.5675A>G), located in coding exon 27 of the SCN10A gene, results from an A to G substitution at nucleotide position 5675. The glutamic acid at codon 1892 is replaced by glycine, an amino acid with similar properties. This amino acid position is conserved. In addition, the in silico prediction for this alteration is inconclusive. Based on the available evidence, the clinical significance of this variant remains unclear.